The following is an entry in ClinVar:

ClinVar aggregate classification (germline): Uncertain significance (1 of 4 stars; one submission).

Allele frequency attached by ClinVar (database versions not stated): gnomAD exomes below 0.00001; TOPMed 0.00001.
gnomAD v4.1: 1 of 1,613,542 alleles (0.000062%); highest among the groups gnomAD compares: Non-Finnish European, 0.000085%; no homozygotes.

Submission:

Ambry Genetics
Classification: Uncertain significance. Last evaluated: 2024-06-13. Review status: criteria provided, single submitter. Criteria: Ambry Variant Classification Scheme 2023. Collection method: clinical testing. Allele origin: germline.
Comment: The p.Q865E variant (also known as c.2593C>G), located in coding exon 4 of the ALPK2 gene, results from a C to G substitution at nucleotide position 2593. The glutamine at codon 865 is replaced by glutamic acid, an amino acid with highly similar properties. This amino acid position is conserved. In addition, this alteration is predicted to be tolerated by in silico analysis. Since supporting evidence is limited at this time, the clinical significance of this alteration remains unclear.

NM_052947.4(ALPK2):c.2593C>G (p.Gln865Glu)

Gene: ALPK2 (alpha kinase 2; minus strand). Cytogenetic location: 18q21.31.
Variant type: single nucleotide variant.
Coding change: c.2593C>G on transcript NM_052947.4 (MANE Select); coding-DNA position 2593, C replaced by G.
Protein change: p.Gln865Glu; replaces glutamine 865 with glutamic acid.
Molecular consequence: missense variant.
Genome position (GRCh38, 1-based): chr18:58,537,594, G>C on the plus strand (C>G on the coding strand, the complement: ALPK2 is on the minus strand). VCF-style: chr18-58537594-G-C. GRCh37 (hg19) VCF-style: chr18-56204826-G-C.
Other names: short protein forms Q865E.
Identifiers: ClinVar variation 1793546 (VCV001793546.3), dbSNP rs1349712814, ClinGen allele CA402570196.